The following is an entry in ClinVar:

ClinVar aggregate classification (germline): Benign/Likely benign. Review status: criteria provided, multiple submitters, no conflicts (2 of 4 stars). 2 submissions from 2 submitters: Benign (1); Likely benign (1). Last evaluated 2018-05-23.

Conditions:
Autoimmune lymphoproliferative syndrome type 2A (ALPS2A). Also called: CASP10-Related Autoimmune Lymphoproliferative Syndrome; AUTOIMMUNE LYMPHOPROLIFERATIVE SYNDROME, TYPE IIA; Autoimmune lymphoproliferative syndrome type 2. Identifiers: Orphanet 3261, MedGen C1858968, MONDO:0011383, OMIM 603909.

Allele frequency attached by ClinVar (database versions not stated): 1000 Genomes Project 0.00280; 1000 Genomes Project 30x 0.00281; TOPMed 0.00450; gnomAD 0.00477 and 0.00488; gnomAD exomes 0.00710.
gnomAD v4.1: 6,607 of 985,458 alleles (0.67%); highest among the groups gnomAD compares: Non-Finnish European, 0.74%; 35 homozygotes.

Submissions (2):

Blueprint Genetics
Classification: Likely benign. Last evaluated: 2018-05-23. Review status: criteria provided, single submitter. Criteria: ACMG Guidelines, 2015. Collection method: clinical testing. Allele origin: germline.

Illumina Laboratory Services, Illumina
Classification: Benign for Autoimmune lymphoproliferative syndrome type 2A. Last evaluated: 2018-01-13. Review status: criteria provided, single submitter. Criteria: ICSL Variant Classification Criteria 13 December 2019. Collection method: clinical testing. Allele origin: germline.
Comment: This variant was observed in the ICSL laboratory as part of a predisposition screen in an ostensibly healthy population. It had not been previously curated by ICSL or reported in the Human Gene Mutation Database (HGMD: prior to June 1st, 2018), and was therefore a candidate for classification through an automated scoring system. Utilizing variant allele frequency, disease prevalence and penetrance estimates, and inheritance mode, an automated score was calculated to assess if this variant is too frequent to cause the disease. Based on the score and internal cut-off values, a variant classified as benign is not then subjected to further curation. The score for this variant resulted in a classification of benign for this disease.

NM_032977.4(CASP10):c.*2289A>C

Gene: CASP10 (caspase 10; plus strand). Cytogenetic location: 2q33.1.
Variant type: single nucleotide variant.
Coding change: c.*2289A>C on transcript NM_032977.4 (MANE Select); 2289 bases downstream of the stop codon, A replaced by C.
Molecular consequence: 3 prime UTR variant. On other transcripts: intron variant (2).
Genome position (GRCh38, 1-based): chr2:201,220,030, A>C. VCF-style: chr2-201220030-A-C. GRCh37 (hg19) VCF-style: chr2-202084753-A-C.
Other names: c.*2289A>C (NM_001206524.2, NM_001230.5); c.*2944A>C (NM_032976.4); c.1416-8903A>C (NM_032974.5); c.1287-8903A>C (NM_001206542.2).
Identifiers: ClinVar variation 333473 (VCV000333473.6), dbSNP rs41369551, ClinGen allele CA10612365.